The following is an entry in ClinVar:

NM_017780.4(CHD7):c.4192G>A (p.Ala1398Thr)

Gene: CHD7 (chromodomain helicase DNA binding protein 7; plus strand). Cytogenetic location: 8q12.2.
Variant type: single nucleotide variant.
Coding change: c.4192G>A on transcript NM_017780.4 (MANE Select); coding-DNA position 4192, G replaced by A.
Protein change: p.Ala1398Thr; replaces alanine 1398 with threonine.
Molecular consequence: missense variant. On other transcripts: intron variant (1).
Genome position (GRCh38, 1-based): chr8:60,837,674, G>A. VCF-style: chr8-60837674-G-A. GRCh37 (hg19) VCF-style: chr8-61750233-G-A.
Other names: c.1717-24555G>A (NM_001316690.1); short protein forms A1398T.
Identifiers: ClinVar variation 3024539 (VCV003024539.3), dbSNP rs2487910139, ClinGen allele CA371317653.

ClinVar aggregate classification (germline): Uncertain significance (1 of 4 stars; one submission).

Conditions:
CHARGE syndrome (CHARGE). Also called: Hittner Hirsch Kreh syndrome; CHARGE ASSOCIATION--COLOBOMA, HEART ANOMALY, CHOANAL ATRESIA, RETARDATION, GENITAL AND EAR ANOMALIES; Coloboma, heart anomaly, choanal atresia, retardation, genital and ear anomalies; CHARGE association; Hall-Hittner syndrome. Identifiers: Orphanet 138, MedGen C0265354, MONDO:0008965.

Submission:

Institute of Human Genetics, University of Leipzig Medical Center
Classification: Uncertain significance for CHD7-related CHARGE syndrome. Last evaluated: 2024-02-27. Review status: criteria provided, single submitter. Criteria: ACMG Guidelines, 2015. Collection method: clinical testing. Allele origin: paternal. Inheritance: Autosomal dominant inheritance. Affected: yes.
Comment: Criteria applied: PM1,PM2_SUP,PP3